The following is an entry in ClinVar:

NM_002471.4(MYH6):c.2429+14A>C

Gene: MYH6 (myosin heavy chain 6; minus strand). Cytogenetic location: 14q11.2.
Variant type: single nucleotide variant.
Coding change: c.2429+14A>C on transcript NM_002471.4 (MANE Select); 14 bases into the intron after coding-DNA position 2429, A replaced by C.
Molecular consequence: intron variant.
Genome position (GRCh38, 1-based): chr14:23,396,270, T>G on the plus strand (A>C on the coding strand, the complement: MYH6 is on the minus strand). VCF-style: chr14-23396270-T-G. GRCh37 (hg19) VCF-style: chr14-23865479-T-G.
Identifiers: ClinVar variation 44464 (VCV000044464.13), dbSNP rs200817451, ClinGen allele CA134276.

ClinVar aggregate classification (germline): Benign/Likely benign. Review status: criteria provided, multiple submitters, no conflicts (2 of 4 stars). 5 submissions from 5 submitters: Benign (2); Likely benign (3). Last evaluated 2025-12-14.

Conditions:
Hypertrophic cardiomyopathy 14. Identifiers: MedGen C2750467, MONDO:0013197, OMIM 613251.

Allele frequency attached by ClinVar (database versions not stated): gnomAD exomes 0.00011 and 0.00021; gnomAD 0.00014 and 0.00015; ESP Exome Variant Server 0.00015; ExAC 0.00018; TOPMed 0.00021.

Submissions (5):

Labcorp Genetics (formerly Invitae), Labcorp
Classification: Benign for Hypertrophic cardiomyopathy 14. Last evaluated: 2025-12-14. Review status: criteria provided, single submitter. Criteria: Invitae Variant Classification Sherloc (09022015). Collection method: clinical testing. Allele origin: germline.

Blueprint Genetics
Classification: Likely benign. Last evaluated: 2024-11-07. Review status: criteria provided, single submitter. Criteria: ACMG Guidelines, 2015. Collection method: clinical testing. Allele origin: germline.

Women's Health and Genetics/Laboratory Corporation of America, LabCorp
Classification: Benign. Last evaluated: 2020-11-30. Review status: criteria provided, single submitter. Criteria: LabCorp Variant Classification Summary - May 2015. Collection method: clinical testing. Allele origin: germline.
Comment: Variant summary: MYH6 c.2429+14A>C alters a non-conserved nucleotide located close to a canonical splice site and therefore could affect mRNA splicing, leading to a significantly altered protein sequence. 4/4 computational tools predict no significant impact on normal splicing. However, these predictions have yet to be confirmed by functional studies. The variant allele was found at a frequency of 0.00021 in 251420 control chromosomes, predominantly at a frequency of 0.00036 within the South Asian subpopulation in the gnomAD database. The observed variant frequency within South Asian control individuals in the gnomAD database is approximately 14 fold of the estimated maximal expected allele frequency for a pathogenic variant in MYH6 causing Cardiomyopathy phenotype (2.5e-05), strongly suggesting that the variant is a benign polymorphism found primarily in populations of South Asian origin. To our knowledge, no occurrence of c.2429+14A>C in individuals affected with Cardiomyopathy and no experimental evidence demonstrating its impact on protein function have been reported. One ClinVar submitter (evaluation after 2014) cites the variant as likely benign. Based on the evidence outlined above, the variant was classified as benign.

GeneDx
Classification: Likely benign. Last evaluated: 2018-02-22. Review status: criteria provided, single submitter. Criteria: GeneDx Variant Classification (06012015). Collection method: clinical testing. Allele origin: germline. Affected: yes.
Comment: This variant is considered likely benign or benign based on one or more of the following criteria: it is a conservative change, it occurs at a poorly conserved position in the protein, it is predicted to be benign by multiple in silico algorithms, and/or has population frequency not consistent with disease.

Laboratory for Molecular Medicine, Mass General Brigham Personalized Medicine
Classification: Likely benign. Last evaluated: 2012-03-19. Review status: criteria provided, single submitter. Criteria: LMM Criteria. Collection method: clinical testing. Allele origin: germline. Observed: 1 variant allele.
Comment: c.2429+14A>C in Intron 20 of MYH6: This variant is not expected to have clinical significance because it is not located within the splice consensus sequence. It has been identified in 2/7020 European American chromosomes from a broad popula tion by the NHLBI Exome Sequencing Project.